The following is an entry in ClinVar:

ClinVar aggregate classification (germline): Conflicting classifications of pathogenicity. Review status: criteria provided, conflicting classifications (1 of 4 stars). 4 submissions from 4 submitters: Uncertain significance (3); Likely benign (1). Last evaluated 2025-10-09.

Conditions:
Brugada syndrome 6 (BRGDA6). Identifiers: Orphanet 130, MedGen C2751089, MONDO:0013145, OMIM 613119.
Cardiovascular phenotype. Identifiers: MedGen CN230736.

Allele frequency attached by ClinVar (database versions not stated): ExAC 0.00001; gnomAD 0.00003; gnomAD exomes 0.00003; TOPMed 0.00006.

Submissions (4):

Labcorp Genetics (formerly Invitae), Labcorp
Classification: Uncertain significance for Brugada syndrome 6. Last evaluated: 2025-10-09. Review status: criteria provided, single submitter. Criteria: Invitae Variant Classification Sherloc (09022015). Collection method: clinical testing. Allele origin: germline.
Comment: This sequence change replaces arginine, which is basic and polar, with glutamine, which is neutral and polar, at codon 32 of the KCNE3 protein (p.Arg32Gln). This variant is present in population databases (rs745645715, gnomAD 0.005%). This missense change has been observed in individual(s) with sudden infant death syndrome (PMID: 37589201). ClinVar contains an entry for this variant (Variation ID: 470686). An algorithm developed to predict the effect of missense changes on protein structure and function outputs the following: PolyPhen-2: "Benign". The glutamine amino acid residue is found in multiple mammalian species, which suggests that this missense change does not adversely affect protein function. In summary, the available evidence is currently insufficient to determine the role of this variant in disease. Therefore, it has been classified as a Variant of Uncertain Significance.

Ambry Genetics
Classification: Likely benign for Cardiovascular phenotype. Last evaluated: 2025-08-28. Review status: criteria provided, single submitter. Criteria: Ambry Variant Classification Scheme 2023. Collection method: clinical testing. Allele origin: germline.

Fulgent Genetics
Classification: Uncertain significance for Brugada syndrome 6. Last evaluated: 2021-10-30. Review status: criteria provided, single submitter. Criteria: ACMG Guidelines, 2015. Collection method: clinical testing. Allele origin: unknown.

ARUP Laboratories, Molecular Genetics and Genomics, ARUP Laboratories
Classification: Uncertain significance for Brugada syndrome 6. Last evaluated: 2018-09-18. Review status: criteria provided, single submitter. Criteria: ARUP Molecular Germline Variant Investigation Process. Collection method: clinical testing. Allele origin: germline.
Comment: The KCNE3 c.95G>A; p.Arg32Gln variant (rs745645715), to our knowledge, is not reported in the medical literature but is reported in ClinVar (Variation ID: 470686). This variant is found on seven chromosomes in the Genome Aggregation Database, indicating it is not a common polymorphism. The arginine at codon 32 is moderately conserved, but it occurs as a glutamine in several vertebrate species, and computational analyses (SIFT, PolyPhen-2) predict that this variant is tolerated. Computational analyses of splicing (Alamut v.2.11) predict that this variant may create a novel cryptic acceptor splice site, but mRNA studies would be required to confirm if splicing occurs at this site. Given the lack of clinical and functional data, the significance of the p.Arg32Gln variant is uncertain at this time.

Literature cited by the submitters: PubMed 37589201 (cited by Labcorp Genetics (formerly Invitae), Labcorp).

NM_005472.5(KCNE3):c.95G>A (p.Arg32Gln)

Gene: KCNE3 (potassium voltage-gated channel subfamily E regulatory subunit 3; minus strand). Cytogenetic location: 11q13.4.
Variant type: single nucleotide variant.
Coding change: c.95G>A on transcript NM_005472.5 (MANE Select); coding-DNA position 95, G replaced by A.
Protein change: p.Arg32Gln; replaces arginine 32 with glutamine.
Molecular consequence: missense variant.
Genome position (GRCh38, 1-based): chr11:74,457,469, C>T on the plus strand (G>A on the coding strand, the complement: KCNE3 is on the minus strand). VCF-style: chr11-74457469-C-T. GRCh37 (hg19) VCF-style: chr11-74168514-C-T.
Other names: short protein forms R32Q.
Identifiers: ClinVar variation 470686 (VCV000470686.21), dbSNP rs745645715, ClinGen allele CA6184859.